The following is an entry in ClinVar:

NM_003002.4(SDHD):c.53-10_53-9del

Gene: SDHD (succinate dehydrogenase complex subunit D; plus strand). Cytogenetic location: 11q23.1.
Variant type: Microsatellite.
Coding change: c.53-10_53-9del on transcript NM_003002.4 (MANE Select); 10 bases into the intron before coding-DNA position 53 through 9 bases into the intron before coding-DNA position 53, 2 bases deleted (CT; older notation c.53-10_53-9delCT).
Molecular consequence: intron variant.
Genome position (GRCh38, 1-based): chr11:112,087,847-112,087,848, CT deleted; deleting any 2 consecutive bases within chr11:112,087,845-112,087,848 gives the same sequence; the c. name uses the placement nearest the transcript's 3' end. VCF-style (leftmost placement, unchanged base first): chr11-112087844-ACT-A. GRCh37 (hg19) VCF-style: chr11-111958568-ACT-A.
Other names: c.53-10_53-9del (NM_001276506.2, NM_001276503.2); c.52+888_52+889del (NM_001276504.2).
Identifiers: ClinVar variation 2942976 (VCV002942976.3), dbSNP rs2498899211, ClinGen allele CA2740090844.

ClinVar aggregate classification (germline): Uncertain significance (1 of 4 stars; one submission).

Conditions:
Pheochromocytoma. Also called: MAX-Related Hereditary Paraganglioma-Pheochromocytoma Syndrome. Identifiers: Orphanet 29072, MedGen C0031511, MONDO:0008233, OMIM 171300, HP:0002666.
Paragangliomas with sensorineural hearing loss. Identifiers: MedGen C1868633.
Cowden syndrome 3 (CWS3). Identifiers: Orphanet 201, MedGen CN166604, MONDO:0014045.
Carney-Stratakis syndrome. Also called: PARAGANGLIOMA AND GASTROINTESTINAL STROMAL TUMOR. Identifiers: Orphanet 97286, MedGen C1847319, MONDO:0011740, OMIM 606864.

Submission:

Labcorp Genetics (formerly Invitae), Labcorp
Classification: Uncertain significance for Carney-Stratakis syndrome; Paragangliomas with sensorineural hearing loss; Pheochromocytoma; Cowden syndrome 3. Last evaluated: 2023-01-19. Review status: criteria provided, single submitter. Criteria: Invitae Variant Classification Sherloc (09022015). Collection method: clinical testing. Allele origin: germline.
Comment: In summary, the available evidence is currently insufficient to determine the role of this variant in disease. Therefore, it has been classified as a Variant of Uncertain Significance. RNA analysis provides insufficient evidence to determine the effect of this variant on SDHD splicing (Invitae). This variant has not been reported in the literature in individuals affected with SDHD-related conditions. This variant is not present in population databases (gnomAD no frequency). This sequence change falls in intron 1 of the SDHD gene. It does not directly change the encoded amino acid sequence of the SDHD protein.